The following is an entry in ClinVar:

NM_000548.5(TSC2):c.2139G>C (p.Leu713=)

Gene: TSC2 (TSC complex subunit 2; plus strand). Cytogenetic location: 16p13.3.
Variant type: single nucleotide variant.
Coding change: c.2139G>C on transcript NM_000548.5 (MANE Select); coding-DNA position 2139, G replaced by C.
Protein change: p.Leu713=; no amino-acid change (leucine 713 retained).
Molecular consequence: synonymous variant.
Genome position (GRCh38, 1-based): chr16:2,072,282, G>C. VCF-style: chr16-2072282-G-C. GRCh37 (hg19) VCF-style: chr16-2122283-G-C.
Other names: c.2139G>C, p.Leu713= (NM_001077183.3, NM_001114382.3, NM_001363528.2 and 3 more transcripts); c.2028G>C, p.Leu676= (NM_001318827.2); c.1992G>C, p.Leu664= (NM_001318829.2); c.1539G>C, p.Leu513= (NM_001318831.2); c.2172G>C, p.Leu724= (NM_001318832.2); c.2139G>C (NM_000548.3).
Identifiers: ClinVar variation 1157593 (VCV001157593.11), dbSNP rs757293747, ClinGen allele CA493042673.

ClinVar aggregate classification (germline): Likely benign. Review status: criteria provided, multiple submitters, no conflicts (2 of 4 stars). 3 submissions from 3 submitters: Likely benign (3). Last evaluated 2025-08-28.

Conditions:
Tuberous sclerosis 2 (TSC2). Identifiers: Orphanet 805, MedGen C1860707, MONDO:0013199, OMIM 613254.
Hereditary cancer-predisposing syndrome. Also called: Neoplastic Syndromes, Hereditary; Hereditary Cancer Syndrome; Hereditary neoplastic syndrome; Tumor predisposition. Identifiers: Orphanet 140162, MedGen C0027672, MeSH D009386, MONDO:0015356.
Tuberous sclerosis syndrome (TSC). Also called: Tuberous Sclerosis Complex; Tuberous sclerosis. Identifiers: Orphanet 805, MedGen C0041341, MONDO:0001734.

Submissions (3):

Labcorp Genetics (formerly Invitae), Labcorp
Classification: Likely benign for Tuberous sclerosis 2. Last evaluated: 2025-08-28. Review status: criteria provided, single submitter. Criteria: Invitae Variant Classification Sherloc (09022015). Collection method: clinical testing. Allele origin: germline.

Ambry Genetics
Classification: Likely benign for Hereditary cancer-predisposing syndrome. Last evaluated: 2024-11-02. Review status: criteria provided, single submitter. Criteria: Ambry Variant Classification Scheme 2023. Collection method: clinical testing. Allele origin: germline.

All of Us Research Program, National Institutes of Health
Classification: Likely benign for Tuberous sclerosis syndrome. Last evaluated: 2023-07-22. Review status: criteria provided, single submitter. Criteria: ACMG Guidelines, 2015. Collection method: clinical testing. Allele origin: germline. Inheritance: Autosomal dominant inheritance. Observed: 1 variant allele, 1 heterozygote.
Comment: This study involves interpretation of variants in research participants for the purpose of population health screening. Participant phenotype was not available at the time of variant classification. Additional details can be found in publication PMID: 35346344, PMCID: PMC8962531